The following is an entry in ClinVar:

ClinVar aggregate classification (germline): Uncertain significance (1 of 4 stars; one submission).

Conditions:
Diamond-Blackfan anemia 5 (DBA5). Also called: RPL35A-Related Diamond-Blackfan Anemia. Identifiers: Orphanet 124, MedGen C2675859, MONDO:0012925, OMIM 612528.

Submission:

MVZ Medizinische Genetik Mainz
Classification: Uncertain significance for Diamond-Blackfan anemia 5. Last evaluated: 2023-02-22. Review status: criteria provided, single submitter. Criteria: UK Practice Guidelines For Variant Classification V4 01 2020. Collection method: clinical testing. Allele origin: germline. Inheritance: Autosomal dominant inheritance. Affected: yes. Observed: 1 variant allele.
Comment: ACMG Criteria: PM5, PM2_SUP, PP3 (ACMG Version 4)

NM_000996.4(RPL35A):c.125A>T (p.Tyr42Phe)

Genes: DRC9 (dynein regulatory complex subunit 9; minus strand), RPL35A (ribosomal protein L35a; plus strand). Cytogenetic location: 3q29.
Variant type: single nucleotide variant.
Coding change: c.125A>T on transcript NM_000996.4 (MANE Select); coding-DNA position 125, A replaced by T.
Protein change: p.Tyr42Phe; replaces tyrosine 42 with phenylalanine.
Molecular consequence: missense variant. On other transcripts: intron variant (3).
Genome position (GRCh38, 1-based): chr3:197,951,272, A>T. VCF-style: chr3-197951272-A-T. GRCh37 (hg19) VCF-style: chr3-197678143-A-T.
Other names: c.125A>T, p.Tyr42Phe (NM_001316311.2); c.-49-7221T>A (NM_001323028.2); c.-59-5586T>A (NM_032263.5); c.-374-5586T>A (NM_001323029.2); short protein forms Y42F.
Identifiers: ClinVar variation 3066366 (VCV003066366.1), dbSNP rs2530415049, ClinGen allele CA355902754.